The following is an entry in ClinVar:

ClinVar aggregate classification (germline): Uncertain significance (1 of 4 stars; one submission).

Allele frequency attached by ClinVar (database versions not stated): TOPMed below 0.00001; ExAC 0.00001; gnomAD 0.00001; 1000 Genomes Project 30x 0.00016.
gnomAD v4.1: 3 of 1,613,606 alleles (0.00019%); highest among the groups gnomAD compares: African/African-American, 0.0013%; no homozygotes.

Submission:

GeneDx
Classification: Uncertain significance. Last evaluated: 2022-05-06. Review status: criteria provided, single submitter. Criteria: GeneDx Variant Classification Process June 2021. Collection method: clinical testing. Allele origin: germline. Affected: yes.
Comment: Not observed at significant frequency in large population cohorts (gnomAD); In silico analysis supports that this missense variant has a deleterious effect on protein structure/function; Has not been previously published as pathogenic or benign to our knowledge

NM_000719.7(CACNA1C):c.3073G>A (p.Ala1025Thr)

Gene: CACNA1C (calcium voltage-gated channel subunit alpha1 C; plus strand). Cytogenetic location: 12p13.33.
Variant type: single nucleotide variant.
Coding change: c.3073G>A on transcript NM_000719.7 (MANE Select); coding-DNA position 3073, G replaced by A.
Protein change: p.Ala1025Thr; replaces alanine 1025 with threonine.
Molecular consequence: missense variant.
Genome position (GRCh38, 1-based): chr12:2,605,703, G>A. VCF-style: chr12-2605703-G-A. GRCh37 (hg19) VCF-style: chr12-2714869-G-A.
Other names: c.3133G>A, p.Ala1045Thr (NM_001129827.2, NM_001129832.2, NM_199460.4); c.3073G>A, p.Ala1025Thr (NM_001129829.2, NM_001129830.3, NM_001129831.2 and 15 more transcripts); c.3064G>A, p.Ala1022Thr (NM_001129844.2); short protein forms A1022T, A1025T, A1045T.
Identifiers: ClinVar variation 1723112 (VCV001723112.2), dbSNP rs749872421, ClinGen allele CA6389146.